The following is an entry in ClinVar:

NC_000001.10:g.(?_156104184)_(156105922_?)dup

Gene: LMNA (lamin A/C; plus strand). Cytogenetic location: 1q22.
Variant type: Duplication.
Identifiers: ClinVar variation 2427467 (VCV002427467.4).

ClinVar aggregate classification (germline): Pathogenic (1 of 4 stars; one submission).

Conditions:
Charcot-Marie-Tooth disease type 2. Also called: Charcot-Marie-Tooth type 2. Identifiers: Orphanet 64746, MedGen C0270914, MONDO:0018993.

Submission:

Labcorp Genetics (formerly Invitae), Labcorp
Classification: Pathogenic for Charcot-Marie-Tooth disease type 2. Last evaluated: 2021-12-05. Review status: criteria provided, single submitter. Criteria: Invitae Variant Classification Sherloc (09022015). Collection method: clinical testing. Allele origin: germline.
Comment: For these reasons, this variant has been classified as Pathogenic. This variant has not been reported in the literature in individuals affected with LMNA-related conditions. This variant is a gross deletion of the genomic region encompassing exon(s) 3-6 of the LMNA gene. This deletion is out-of-frame, and is expected to create a premature termination codon and result in an absent or disrupted protein product. Loss-of-function variants in LMNA are known to be pathogenic (PMID: 18585512, 18926329).

Literature cited by the submitters: PubMed 18585512; PubMed 18926329.